The following is an entry in ClinVar:

ClinVar aggregate classification (germline): Pathogenic (1 of 4 stars; one submission).

Conditions:
Inborn genetic diseases. Identifiers: MedGen C0950123, MeSH D030342.

Submission:

Ambry Genetics
Classification: Pathogenic for Inborn genetic diseases. Last evaluated: 2024-09-13. Review status: criteria provided, single submitter. Criteria: Ambry Variant Classification Scheme 2023. Collection method: clinical testing. Allele origin: germline.
Comment: The c.3154C>T (p.R1052*) alteration, located in exon 26 (coding exon 25) of the DHX9 gene, consists of a C to T substitution at nucleotide position 3154. This changes the amino acid from an arginine (R) to a stop codon at amino acid position 1052. This alteration is expected to result in loss of function by premature protein truncation or nonsense-mediated mRNA decay. This variant was not reported in population-based cohorts in the Genome Aggregation Database (gnomAD). Based on the available evidence, this alteration is classified as pathogenic.

NM_001357.5(DHX9):c.3154C>T (p.Arg1052Ter)

Gene: DHX9 (DExH-box helicase 9; plus strand). Cytogenetic location: 1q25.3.
Variant type: single nucleotide variant.
Coding change: c.3154C>T on transcript NM_001357.5 (MANE Select); coding-DNA position 3154, C replaced by T.
Protein change: p.Arg1052Ter; replaces arginine 1052 with a stop codon.
Molecular consequence: nonsense. On other transcripts: non-coding transcript variant (1).
Genome position (GRCh38, 1-based): chr1:182,883,529, C>T. VCF-style: chr1-182883529-C-T. GRCh37 (hg19) VCF-style: chr1-182852664-C-T.
Other names: short protein forms R1052*.
Identifiers: ClinVar variation 3501764 (VCV003501764.1).